The following is an entry in ClinVar:

ClinVar aggregate classification (germline): Uncertain significance. Review status: criteria provided, multiple submitters, no conflicts (2 of 4 stars). 2 submissions from 2 submitters: Uncertain significance (2). Last evaluated 2025-10-01.

Conditions:
Hereditary sensory neuropathy-deafness-dementia syndrome. Also called: Hereditary Sensory and Autonomic Neuropathy Type 1E (HSAN1E); Hereditary sensory neuropathy type IE; HSN IE; NEUROPATHY, HEREDITARY SENSORY, WITH HEARING LOSS AND DEMENTIA. Identifiers: Orphanet 456318, MedGen C3279885, MONDO:0013584, OMIM 614116.

Allele frequency attached by ClinVar (database versions not stated): gnomAD exomes 0.00001 and 0.00003; gnomAD 0.00003 and 0.00004; TOPMed 0.00003; ExAC 0.00004.
gnomAD v4.1: 20 of 1,613,468 alleles (0.0012%); highest among the groups gnomAD compares: Admixed American, 0.0033%; no homozygotes.

Submissions (2):

Labcorp Genetics (formerly Invitae), Labcorp
Classification: Uncertain significance for Hereditary sensory neuropathy-deafness-dementia syndrome. Last evaluated: 2025-10-01. Review status: criteria provided, single submitter. Criteria: Invitae Variant Classification Sherloc (09022015). Collection method: clinical testing. Allele origin: germline.
Comment: This sequence change replaces phenylalanine, which is neutral and non-polar, with leucine, which is neutral and non-polar, at codon 1412 of the DNMT1 protein (p.Phe1412Leu). This variant is present in population databases (rs766558026, gnomAD 0.007%). This variant has not been reported in the literature in individuals affected with DNMT1-related conditions. ClinVar contains an entry for this variant (Variation ID: 961725). Invitae Evidence Modeling of protein sequence and biophysical properties (such as structural, functional, and spatial information, amino acid conservation, physicochemical variation, residue mobility, and thermodynamic stability) indicates that this missense variant is not expected to disrupt DNMT1 protein function with a negative predictive value of 80%. In summary, the available evidence is currently insufficient to determine the role of this variant in disease. Therefore, it has been classified as a Variant of Uncertain Significance.

GeneDx
Classification: Uncertain significance. Last evaluated: 2023-02-15. Review status: criteria provided, single submitter. Criteria: GeneDx Variant Classification Process June 2021. Collection method: clinical testing. Allele origin: germline. Affected: yes.
Comment: In silico analysis supports that this missense variant has a deleterious effect on protein structure/function; Has not been previously published as pathogenic or benign to our knowledge

NM_001130823.3(DNMT1):c.4236C>G (p.Phe1412Leu)

Gene: DNMT1 (DNA methyltransferase 1; minus strand). Cytogenetic location: 19p13.2.
Variant type: single nucleotide variant.
Coding change: c.4236C>G on transcript NM_001130823.3 (MANE Select); coding-DNA position 4236, C replaced by G.
Protein change: p.Phe1412Leu; replaces phenylalanine 1412 with leucine.
Molecular consequence: missense variant.
Genome position (GRCh38, 1-based): chr19:10,137,889, G>C on the plus strand (C>G on the coding strand, the complement: DNMT1 is on the minus strand). VCF-style: chr19-10137889-G-C. GRCh37 (hg19) VCF-style: chr19-10248565-G-C.
Other names: c.4188C>G, p.Phe1396Leu (NM_001318730.2, NM_001379.4); c.3873C>G, p.Phe1291Leu (NM_001318731.2); short protein forms F1291L, F1396L, F1412L.
Identifiers: ClinVar variation 961725 (VCV000961725.6), dbSNP rs766558026, ClinGen allele CA9187559.